The following is an entry in ClinVar:

ClinVar aggregate classification (germline): Likely pathogenic. Review status: criteria provided, multiple submitters, no conflicts (2 of 4 stars). 2 submissions from 2 submitters: Likely pathogenic (2). Last evaluated 2018-03-02.

Conditions:
Gorlin syndrome. Also called: Nevoid Basal Cell Carcinoma Syndrome; Basal cell nevus syndrome. Identifiers: Orphanet 377, MedGen C0004779, MONDO:0007187.

Submissions (2):

GeneDx
Classification: Likely pathogenic. Last evaluated: 2018-03-02. Review status: criteria provided, single submitter. Criteria: GeneDx Variant Classification (06012015). Collection method: clinical testing. Allele origin: germline. Affected: yes.
Comment: The c.3169-1 G>A splice site variant in the PTCH1 gene destroys the canonical splice acceptor site in intron 18. It is predicted to cause abnormal gene splicing, either leading to an abnormal message that is subject to nonsense-mediated mRNA decay, or to an abnormal protein product if the message is used for protein translation. This variant is not observed in large population cohorts (Lek et al., 2016). Although c.3169-1 G>A has not been previously reported to our knowledge, we consider it to be a likely pathogenic variant.

Labcorp Genetics (formerly Invitae), Labcorp
Classification: Likely pathogenic for Gorlin syndrome. Last evaluated: 2016-11-26. Review status: criteria provided, single submitter. Criteria: Invitae Variant Classification Sherloc (09022015). Collection method: clinical testing. Allele origin: germline.
Comment: In summary, donor and acceptor splice site variants are typically loss-of-function (PMID: 16199547), and loss-of-function variants in PTCH1 are known to be pathogenic (PMID: 16301862, 16419085). However, without additional functional and/or genetic data, this variant has been classified as Likely Pathogenic. This variant has not been reported in the literature in individuals with a PTCH1-related disease. This sequence change affects an acceptor splice site in intron 18 of the PTCH1 gene. It is expected to disrupt RNA splicing and likely results in an absent or disrupted protein product.

Literature cited by the submitters: PubMed 16199547 (cited by Labcorp Genetics (formerly Invitae), Labcorp); PubMed 16301862 (cited by Labcorp Genetics (formerly Invitae), Labcorp); PubMed 16419085 (cited by Labcorp Genetics (formerly Invitae), Labcorp).

NM_000264.5(PTCH1):c.3169-1G>A

Gene: PTCH1 (patched 1; minus strand). Cytogenetic location: 9q22.32.
Variant type: single nucleotide variant.
Coding change: c.3169-1G>A on transcript NM_000264.5 (MANE Select); the canonical splice acceptor site of the intron before coding-DNA position 3169, G replaced by A.
Molecular consequence: splice acceptor variant.
Genome position (GRCh38, 1-based): chr9:95,456,414, C>T on the plus strand (G>A on the coding strand, the complement: PTCH1 is on the minus strand). VCF-style: chr9-95456414-C-T. GRCh37 (hg19) VCF-style: chr9-98218696-C-T.
Other names: c.3166-1G>A (NM_001083603.3); c.2971-1G>A (NM_001083602.3); c.3013-1G>A (NM_001354918.2); c.2716-1G>A (NM_001083605.3, NM_001083604.3, NM_001083606.3 and 1 more transcripts).
Identifiers: ClinVar variation 409181 (VCV000409181.8), dbSNP rs1060502285, ClinGen allele CA16612830.